The following is an entry in ClinVar:

ClinVar aggregate classification (germline): Uncertain significance. Review status: criteria provided, multiple submitters, no conflicts (2 of 4 stars). 2 submissions from 2 submitters: Uncertain significance (2). Last evaluated 2025-05-24.

Conditions:
Hereditary cancer-predisposing syndrome. Also called: Tumor predisposition; Hereditary Cancer Syndrome; Hereditary neoplastic syndrome; Neoplastic Syndromes, Hereditary. Identifiers: Orphanet 140162, MedGen C0027672, MeSH D009386, MONDO:0015356.
Hereditary nonpolyposis colorectal neoplasms. Identifiers: MedGen C0009405, MeSH D003123.

Submissions (2):

Ambry Genetics
Classification: Uncertain significance for Hereditary cancer-predisposing syndrome. Last evaluated: 2025-05-24. Review status: criteria provided, single submitter. Criteria: Ambry Variant Classification Scheme 2023. Collection method: clinical testing. Allele origin: germline.
Comment: The p.H351Q variant (also known as c.1053C>A), located in coding exon 4 of the MSH6 gene, results from a C to A substitution at nucleotide position 1053. The histidine at codon 351 is replaced by glutamine, an amino acid with highly similar properties. This amino acid position is not well conserved in available vertebrate species. In addition, this alteration is predicted to be tolerated by in silico analysis. Since supporting evidence is limited at this time, the clinical significance of this alteration remains unclear.

Labcorp Genetics (formerly Invitae), Labcorp
Classification: Uncertain significance for Hereditary nonpolyposis colorectal neoplasms. Last evaluated: 2024-02-27. Review status: criteria provided, single submitter. Criteria: Invitae Variant Classification Sherloc (09022015). Collection method: clinical testing. Allele origin: germline.
Comment: This sequence change replaces histidine, which is basic and polar, with glutamine, which is neutral and polar, at codon 351 of the MSH6 protein (p.His351Gln). This variant is not present in population databases (gnomAD no frequency). This variant has not been reported in the literature in individuals affected with MSH6-related conditions. ClinVar contains an entry for this variant (Variation ID: 486899). Advanced modeling of protein sequence and biophysical properties (such as structural, functional, and spatial information, amino acid conservation, physicochemical variation, residue mobility, and thermodynamic stability) performed at Invitae indicates that this missense variant is not expected to disrupt MSH6 protein function with a negative predictive value of 95%. In summary, the available evidence is currently insufficient to determine the role of this variant in disease. Therefore, it has been classified as a Variant of Uncertain Significance.

NM_000179.3(MSH6):c.1053C>A (p.His351Gln)

Gene: MSH6 (mutS homolog 6; plus strand). Cytogenetic location: 2p16.3.
Variant type: single nucleotide variant.
Coding change: c.1053C>A on transcript NM_000179.3 (MANE Select); coding-DNA position 1053, C replaced by A.
Protein change: p.His351Gln; replaces histidine 351 with glutamine.
Molecular consequence: missense variant.
Genome position (GRCh38, 1-based): chr2:47,799,036, C>A. VCF-style: chr2-47799036-C-A. GRCh37 (hg19) VCF-style: chr2-48026175-C-A.
Other names: c.663C>A, p.His221Gln (NM_001281492.2); c.147C>A, p.His49Gln (NM_001281493.2, NM_001281494.2); short protein forms H351Q, H221Q, H49Q.
Identifiers: ClinVar variation 486899 (VCV000486899.15), dbSNP rs28903083, ClinGen allele CA346741549.